The following is an entry in ClinVar:

ClinVar aggregate classification (germline): Likely benign. Review status: criteria provided, multiple submitters, no conflicts (2 of 4 stars). 3 submissions from 3 submitters: Likely benign (2). 1 of the submissions does not count toward it. Last evaluated 2026-09-01.

Conditions:
CACNA1B-related disorder. Also called: CACNA1B-related condition.

Allele frequency attached by ClinVar (database versions not stated): ESP Exome Variant Server 0.00095; TOPMed 0.00105; ExAC 0.00174; 1000 Genomes Project 0.00280; 1000 Genomes Project 30x 0.00297.
gnomAD v4.1: 2,831 of 1,613,242 alleles (0.18%); highest among the groups gnomAD compares: South Asian, 0.44%; 7 homozygotes.

Submissions (3):

CeGaT Center for Human Genetics Tuebingen
Classification: Likely benign. Last evaluated: 2026-09-01. Review status: criteria provided, single submitter. Criteria: CeGaT Center For Human Genetics Tuebingen Variant Classification Criteria Version 2. Collection method: clinical testing. Allele origin: germline. Affected: yes. Observed: 12 variant alleles.
Comment: CACNA1B: PP3, BS2

Labcorp Genetics (formerly Invitae), Labcorp
Classification: Likely benign. Last evaluated: 2025-11-28. Review status: criteria provided, single submitter. Criteria: Invitae Variant Classification Sherloc (09022015). Collection method: clinical testing. Allele origin: germline.

PreventionGenetics, part of Exact Sciences
Classification: Likely benign for CACNA1B-related condition. Last evaluated: 2022-01-31. Review status: no assertion criteria provided. Collection method: clinical testing. Allele origin: germline. Not counted in ClinVar's aggregate classification.
Comment: This variant is classified as likely benign based on ACMG/AMP sequence variant interpretation guidelines (Richards et al. 2015 PMID: 25741868, with internal and published modifications).

NM_000718.4(CACNA1B):c.6889G>A (p.Val2297Met)

Gene: CACNA1B (calcium voltage-gated channel subunit alpha1 B; plus strand). Cytogenetic location: 9q34.3.
Variant type: single nucleotide variant.
Coding change: c.6889G>A on transcript NM_000718.4 (MANE Select); coding-DNA position 6889, G replaced by A.
Protein change: p.Val2297Met; replaces valine 2297 with methionine.
Molecular consequence: missense variant. On other transcripts: synonymous variant (1).
Genome position (GRCh38, 1-based): chr9:138,121,868, G>A. VCF-style: chr9-138121868-G-A. GRCh37 (hg19) VCF-style: chr9-141016320-G-A.
Other names: c.6702G>A, p.Thr2234= (NM_001243812.2); short protein forms V2297M.
Identifiers: ClinVar variation 710442 (VCV000710442.36), dbSNP rs41290003, ClinGen allele CA5377830.
Genomic context (GRCh38, chr9:138,121,868, plus strand): 5'-ACTCTCACTTTCGAGGAGGCTGTGGCCACCAACTCGGGCCGCTCCTCCAGGACTTCCTAC[G>A]TGTCCTCCCTGACCTCCCAGTCTCACCCTCTCCGCCGCGTGCCCAACGGTTACCACTGCA-3'
Protein context (NP_000709.1, residues 2287-2307): NSGRSSRTSY[Val2297Met]SSLTSQSHPL